The following is an entry in ClinVar:

ClinVar aggregate classification (germline): Uncertain significance (1 of 4 stars; one submission).

Submission:

CeGaT Center for Human Genetics Tuebingen
Classification: Uncertain significance. Last evaluated: 2025-02-01. Review status: criteria provided, single submitter. Criteria: CeGaT Center For Human Genetics Tuebingen Variant Classification Criteria Version 2. Collection method: clinical testing. Allele origin: germline. Affected: yes. Observed: 1 variant allele.
Comment: STUB1: PM2, PM4

NM_005861.4(STUB1):c.815_829dup (p.Thr276_Gln277insArgSerProLeuThr)

Genes: JMJD8 (jumonji domain containing 8; minus strand), STUB1 (STIP1 homology and U-box containing protein 1; plus strand). Cytogenetic location: 16p13.3.
Variant type: Duplication.
Coding change: c.815_829dup on transcript NM_005861.4 (MANE Select); coding-DNA positions 815 to 829, 15 bases duplicated (GGAGCCCCCTGACCC).
Protein change: p.Thr276_Gln277insArgSerProLeuThr.
Molecular consequence: 3 prime UTR variant (on NM_001005920.4). On other transcripts: non-coding transcript variant (3).
Genome position (GRCh38, 1-based): chr16:682,392-682,406, GGAGCCCCCTGACCC duplicated; duplicating any 15 consecutive bases within chr16:682,386-682,406 gives the same sequence; the c. name uses the placement nearest the transcript's 3' end. VCF-style (leftmost placement, unchanged base first): chr16-682385-G-GTGACCCGGAGCCCCC. GRCh37 (hg19) VCF-style: chr16-732385-G-GTGACCCGGAGCCCCC.
Other names: c.599_613dup, p.Thr204_Gln205insArgSerProLeuThr (NM_001293197.2); c.*394_*408dup (NM_001005920.4, NM_001323919.3, NM_001323920.3); c.*428_*442dup (NM_001323918.3, NM_001323922.3).
Identifiers: ClinVar variation 3771201 (VCV003771201.13).
Genomic context (GRCh38, chr16:682,385, plus strand): 5'-GGGCCCCATGACTGCCCTCTGCCCTTCTTGTCACTGCAGCGTGTGGGTCATTTTGACCCC[G>GTGACCCGGAGCCCCC]TGACCCGGAGCCCCCTGACCCAGGAACAGCTCATCCCCAACTTGGCTATGAAGGAGGTTA-3'